The following is an entry in ClinVar:

ClinVar aggregate classification (germline): Uncertain significance. Review status: criteria provided, multiple submitters, no conflicts (2 of 4 stars). 3 submissions from 3 submitters: Uncertain significance (2). 1 of the submissions does not count toward it. Last evaluated 2019-07-23.

Conditions:
Cerebellar ataxia, impaired intellectual development, and dysequilibrium syndrome 2. Also called: Cerebellar ataxia, intellectual disability, and dysequilibrium syndrome 2; CEREBELLAR ATAXIA, MENTAL RETARDATION, AND DYSEQUILIBRIUM SYNDROME 2; CEREBELLAR ATAXIA AND MENTAL RETARDATION WITH OR WITHOUT QUADRUPEDAL LOCOMOTION 2. Identifiers: Orphanet 1766, MedGen C2750234, MONDO:0012430, OMIM 610185.
WDR81-related disorder. Also called: WDR81-related condition.

Allele frequency attached by ClinVar (database versions not stated): ESP Exome Variant Server 0.00015; 1000 Genomes Project 30x 0.00078; TOPMed 0.00018; 1000 Genomes Project 0.00100.
gnomAD v4.1: 407 of 1,612,706 alleles (0.025%); highest among the groups gnomAD compares: South Asian, 0.22%; 2 homozygotes.

Submissions (3):

Revvity Omics, Revvity
Classification: Uncertain significance. Last evaluated: 2019-07-23. Review status: criteria provided, single submitter. Criteria: ACMG Guidelines, 2015. Collection method: clinical testing. Allele origin: germline.

Baylor Genetics
Classification: Uncertain significance for Cerebellar ataxia, impaired intellectual development, and dysequilibrium syndrome 2. Last evaluated: 2018-02-12. Review status: criteria provided, single submitter. Criteria: ACMG Guidelines, 2015. Collection method: clinical testing. Allele origin: paternal. Affected: yes.
Comment: This variant was determined to be of uncertain significance according to ACMG Guidelines, 2015 [PMID:25741868].

PreventionGenetics, part of Exact Sciences
Classification: Likely benign for WDR81-related condition. Last evaluated: 2023-06-08. Review status: no assertion criteria provided. Collection method: clinical testing. Allele origin: germline. Not counted in ClinVar's aggregate classification.
Comment: This variant is classified as likely benign based on ACMG/AMP sequence variant interpretation guidelines (Richards et al. 2015 PMID: 25741868, with internal and published modifications).

NM_001163809.2(WDR81):c.3854C>T (p.Pro1285Leu)

Gene: WDR81 (WD repeat domain 81; plus strand). Cytogenetic location: 17p13.3.
Variant type: single nucleotide variant.
Coding change: c.3854C>T on transcript NM_001163809.2 (MANE Select); coding-DNA position 3854, C replaced by T.
Protein change: p.Pro1285Leu; replaces proline 1285 with leucine.
Molecular consequence: missense variant.
Genome position (GRCh38, 1-based): chr17:1,730,833, C>T. VCF-style: chr17-1730833-C-T. GRCh37 (hg19) VCF-style: chr17-1634127-C-T.
Other names: c.245C>T, p.Pro82Leu (NM_001163673.2); c.173C>T, p.Pro58Leu (NM_001163811.2); c.701C>T, p.Pro234Leu (NM_152348.4); short protein forms P1285L, P58L, P82L, P234L.
Identifiers: ClinVar variation 1031891 (VCV001031891.6), dbSNP rs199995527, ClinGen allele CA8273373.